The following is an entry in ClinVar:

ClinVar aggregate classification (germline): Uncertain significance (1 of 4 stars; one submission).

Conditions:
POLD1-related polyposis and colorectal cancer syndrome (CRCS10). Also called: Colorectal cancer, susceptibility to, 10; Colorectal cancer 10; COLORECTAL CANCER, SUSCEPTIBILITY TO, ON CHROMOSOME 19q. Identifiers: Orphanet 220460, MedGen C2675481, MONDO:0012953, OMIM 612591.

Submission:

Labcorp Genetics (formerly Invitae), Labcorp
Classification: Uncertain significance for POLD1-related polyposis and colorectal cancer syndrome. Last evaluated: 2022-07-26. Review status: criteria provided, single submitter. Criteria: Invitae Variant Classification Sherloc (09022015). Collection method: clinical testing. Allele origin: germline.
Comment: This sequence change replaces valine, which is neutral and non-polar, with methionine, which is neutral and non-polar, at codon 452 of the POLD1 protein (p.Val452Met). This variant is not present in population databases (gnomAD no frequency). This variant has not been reported in the literature in individuals affected with POLD1-related conditions. ClinVar contains an entry for this variant (Variation ID: 645113). Algorithms developed to predict the effect of missense changes on protein structure and function are either unavailable or do not agree on the potential impact of this missense change (SIFT: "Deleterious"; PolyPhen-2: "Possibly Damaging"; Align-GVGD: "Class C0"). In summary, the available evidence is currently insufficient to determine the role of this variant in disease. Therefore, it has been classified as a Variant of Uncertain Significance.

NM_002691.4(POLD1):c.1354G>A (p.Val452Met)

Gene: POLD1 (DNA polymerase delta 1, catalytic subunit; plus strand). Cytogenetic location: 19q13.33.
Variant type: single nucleotide variant.
Coding change: c.1354G>A on transcript NM_002691.4 (MANE Select); coding-DNA position 1354, G replaced by A.
Protein change: p.Val452Met; replaces valine 452 with methionine.
Molecular consequence: missense variant. On other transcripts: non-coding transcript variant (1).
Genome position (GRCh38, 1-based): chr19:50,406,293, G>A. VCF-style: chr19-50406293-G-A. GRCh37 (hg19) VCF-style: chr19-50909550-G-A.
Other names: c.1354G>A, p.Val452Met (NM_001256849.1, NM_001308632.1); short protein forms V452M.
Identifiers: ClinVar variation 645113 (VCV000645113.8), dbSNP rs1601215811, ClinGen allele CA406979936.